The following is an entry in ClinVar:

ClinVar aggregate classification (germline): Uncertain significance. Review status: criteria provided, multiple submitters, no conflicts (2 of 4 stars). 2 submissions from 2 submitters: Uncertain significance (2). Last evaluated 2024-11-12.

gnomAD v4.1: 7 of 1,614,022 alleles (0.00043%); highest among the groups gnomAD compares: East Asian, 0.0045%; no homozygotes.

Submissions (2):

Ambry Genetics
Classification: Uncertain significance. Last evaluated: 2024-11-12. Review status: criteria provided, single submitter. Criteria: Ambry Variant Classification Scheme 2023. Collection method: clinical testing. Allele origin: germline.

GeneDx
Classification: Uncertain significance. Last evaluated: 2024-01-05. Review status: criteria provided, single submitter. Criteria: GeneDx Variant Classification Process June 2021. Collection method: clinical testing. Allele origin: germline. Affected: yes.
Comment: Not observed at significant frequency in large population cohorts (gnomAD); In silico analysis supports that this missense variant does not alter protein structure/function; Has not been previously published as pathogenic or benign to our knowledge

NM_170682.4(P2RX2):c.653G>A (p.Arg218His)

Gene: P2RX2 (purinergic receptor P2X 2; plus strand). Cytogenetic location: 12q24.33.
Variant type: single nucleotide variant.
Coding change: c.653G>A on transcript NM_170682.4 (MANE Select); coding-DNA position 653, G replaced by A.
Protein change: p.Arg218His; replaces arginine 218 with histidine.
Molecular consequence: missense variant. On other transcripts: synonymous variant (1).
Genome position (GRCh38, 1-based): chr12:132,620,462, G>A. VCF-style: chr12-132620462-G-A. GRCh37 (hg19) VCF-style: chr12-133197048-G-A.
Other names: c.546G>A, p.Pro182= (NM_001282164.2); c.653G>A, p.Arg218His (NM_001282165.2, NM_170683.4, NM_174873.3); c.437G>A, p.Arg146His (NM_012226.5); c.581G>A, p.Arg194His (NM_016318.4); c.377G>A, p.Arg126His (NM_174872.3); c.653G>A (NM_170683.2); short protein forms R126H, R146H, R194H, R218H.
Identifiers: ClinVar variation 3367521 (VCV003367521.2).
Genomic context (GRCh38, chr12:132,620,462, plus strand): 5'-GGGGTATTTGGGGTGCAGGTCTCGCCTCCTGCCGCCTCCTCAGGGGCAACATCGCCGACC[G>A]CACAGACGGGTACCTGAAGCGCTGCACGTTCCACGAGGCCTCCGACCTCTACTGCCCCAT-3'
Protein context (NP_733782.1, residues 208-228): FHFSKGNIAD[Arg218His]TDGYLKRCTF